The following is an entry in ClinVar:

ClinVar aggregate classification (germline): Pathogenic (1 of 4 stars; one submission).

Submission:

GeneDx
Classification: Pathogenic. Last evaluated: 2018-07-02. Review status: criteria provided, single submitter. Criteria: GeneDx Variant Classification (06012015). Collection method: clinical testing. Allele origin: germline. Affected: yes.
Comment: The W643X variant in the TLK2 gene has not been reported previously as a pathogenic variant nor as a benign variant, to our knowledge. This variant is predicted to cause loss of normal protein function either through protein truncation or nonsense-mediated mRNA decay. The W643X variant is not observed in large population cohorts (Lek et al., 2016). We interpret W643X as a pathogenic variant.

NM_006852.6(TLK2):c.1928G>A (p.Trp643Ter)

Gene: TLK2 (tousled like kinase 2; plus strand). Cytogenetic location: 17q23.2.
Variant type: single nucleotide variant.
Coding change: c.1928G>A on transcript NM_006852.6 (MANE Select); coding-DNA position 1928, G replaced by A.
Protein change: p.Trp643Ter; replaces tryptophan 643 with a stop codon.
Molecular consequence: nonsense.
Genome position (GRCh38, 1-based): chr17:62,606,198, G>A. VCF-style: chr17-62606198-G-A. GRCh37 (hg19) VCF-style: chr17-60683559-G-A.
Other names: c.1994G>A, p.Trp665Ter (NM_001284333.3); c.1832G>A, p.Trp611Ter (NM_001284363.1, NM_001375272.1); c.1481G>A, p.Trp494Ter (NM_001330418.3, NM_001375273.1); c.1970G>A, p.Trp657Ter (NM_001375269.1); c.1928G>A, p.Trp643Ter (NM_001375270.1, NM_001375271.1); short protein forms W643*, W494*, W665*, W611*, W657*.
Identifiers: ClinVar variation 620161 (VCV000620161.1), dbSNP rs1568015131, ClinGen allele CA400514558.